The following is an entry in ClinVar:

ClinVar aggregate classification (germline): Uncertain significance (1 of 4 stars; one submission).

Submission:

Labcorp Genetics (formerly Invitae), Labcorp
Classification: Uncertain significance. Last evaluated: 2022-09-13. Review status: criteria provided, single submitter. Criteria: Invitae Variant Classification Sherloc (09022015). Collection method: clinical testing. Allele origin: germline.
Comment: This sequence change creates a premature translational stop signal (p.Leu252Glnfs*49) in the GNPTG gene. While this is not anticipated to result in nonsense mediated decay, it is expected to disrupt the last 54 amino acid(s) of the GNPTG protein. This variant is not present in population databases (gnomAD no frequency). This variant has not been reported in the literature in individuals affected with GNPTG-related conditions. Experimental studies and prediction algorithms are not available or were not evaluated, and the functional significance of this variant is currently unknown. In summary, the available evidence is currently insufficient to determine the role of this variant in disease. Therefore, it has been classified as a Variant of Uncertain Significance.

NM_032520.5(GNPTG):c.748_754dup (p.Leu252fs)

Gene: GNPTG (N-acetylglucosamine-1-phosphate transferase subunit gamma; plus strand). Cytogenetic location: 16p13.3.
Variant type: Duplication.
Coding change: c.748_754dup on transcript NM_032520.5 (MANE Select); coding-DNA positions 748 to 754, 7 bases duplicated (AAAGAAC; older notation c.748_754dupAAAGAAC).
Protein change: p.Leu252fs; shifts the reading frame from leucine 252.
Molecular consequence: frameshift variant.
Genome position (GRCh38, 1-based): chr16:1,362,831-1,362,837, AAAGAAC duplicated. VCF-style (leftmost placement, unchanged base first): chr16-1362830-T-TAAAGAAC. GRCh37 (hg19) VCF-style: chr16-1412831-T-TAAAGAAC.
Other names: short protein forms L252fs.
Identifiers: ClinVar variation 2089297 (VCV002089297.1), dbSNP rs2548191231, ClinGen allele CA2580090418.